The following is an entry in ClinVar:

ClinVar aggregate classification (germline): Benign/Likely benign. Review status: criteria provided, multiple submitters, no conflicts (2 of 4 stars). 4 submissions from 4 submitters: Benign (1); Likely benign (3). Last evaluated 2025-07-20.

Conditions:
Hereditary cancer-predisposing syndrome. Also called: Tumor predisposition; Hereditary Cancer Syndrome; Neoplastic Syndromes, Hereditary; Hereditary neoplastic syndrome. Identifiers: Orphanet 140162, MedGen C0027672, MeSH D009386, MONDO:0015356.
Peutz-Jeghers syndrome (PJS). Also called: POLYPOSIS, HAMARTOMATOUS INTESTINAL; POLYPS-AND-SPOTS SYNDROME; Peutz-Jeghers polyposis; Periorificial lentiginosis syndrome. Identifiers: Orphanet 2869, MedGen C0031269, MeSH D010580, MONDO:0008280, OMIM 175200.

gnomAD v4.1: 3 of 1,611,100 alleles (0.00019%); highest among the groups gnomAD compares: Non-Finnish European, 0.00025%; no homozygotes.

Submissions (4):

Color Diagnostics, LLC DBA Color Health
Classification: Likely benign for Hereditary cancer-predisposing syndrome. Last evaluated: 2025-07-20. Review status: criteria provided, single submitter. Criteria: ACMG Guidelines, 2015. Collection method: clinical testing. Allele origin: germline.

Labcorp Genetics (formerly Invitae), Labcorp
Classification: Likely benign for Peutz-Jeghers syndrome. Last evaluated: 2025-06-05. Review status: criteria provided, single submitter. Criteria: Invitae Variant Classification Sherloc (09022015). Collection method: clinical testing. Allele origin: germline.

Myriad Genetics, Inc.
Classification: Benign for Peutz-Jeghers syndrome. Last evaluated: 2025-03-27. Review status: criteria provided, single submitter. Criteria: Myriad Autosomal Dominant, Autosomal Recessive and X-Linked Classification Criteria (2023). Collection method: clinical testing. Allele origin: unknown.
Comment: This variant is considered benign. This variant is a silent/synonymous amino acid change and it is not expected to impact splicing.

Ambry Genetics
Classification: Likely benign for Hereditary cancer-predisposing syndrome. Last evaluated: 2021-08-20. Review status: criteria provided, single submitter. Criteria: Ambry Variant Classification Scheme 2023. Collection method: clinical testing. Allele origin: germline.

NM_000455.5(STK11):c.682C>T (p.Leu228=)

Gene: STK11 (serine/threonine kinase 11; plus strand). Cytogenetic location: 19p13.3.
Variant type: single nucleotide variant.
Coding change: c.682C>T on transcript NM_000455.5 (MANE Select); coding-DNA position 682, C replaced by T.
Protein change: p.Leu228=; no amino-acid change (leucine 228 retained).
Molecular consequence: synonymous variant.
Genome position (GRCh38, 1-based): chr19:1,220,665, C>T. VCF-style: chr19-1220665-C-T. GRCh37 (hg19) VCF-style: chr19-1220664-C-T.
Identifiers: ClinVar variation 757488 (VCV000757488.13), dbSNP rs1599926930, ClinGen allele CA504892270.